The following is an entry in ClinVar:

ClinVar aggregate classification (germline): Pathogenic. Review status: criteria provided, multiple submitters, no conflicts (2 of 4 stars). 4 submissions from 4 submitters: Pathogenic (2). 2 of the submissions do not count toward it. Last evaluated 2022-11-17.

Conditions:
Finnish congenital nephrotic syndrome (NPHS1). Also called: NEPHROTIC SYNDROME, TYPE 1. Identifiers: Orphanet 839, MedGen C0403399, MONDO:0009732, OMIM 256300.

Allele frequency attached by ClinVar (database versions not stated): gnomAD exomes below 0.00001; TOPMed below 0.00001; gnomAD 0.00001.

Submissions (4):

Baylor Genetics
Classification: Pathogenic for Finnish congenital nephrotic syndrome. Last evaluated: 2022-11-17. Review status: criteria provided, single submitter. Criteria: ACMG Guidelines, 2015. Collection method: clinical testing. Allele origin: unknown.

Labcorp Genetics (formerly Invitae), Labcorp
Classification: Pathogenic. Last evaluated: 2022-10-27. Review status: criteria provided, single submitter. Criteria: Invitae Variant Classification Sherloc (09022015). Collection method: clinical testing. Allele origin: germline.
Comment: For these reasons, this variant has been classified as Pathogenic. ClinVar contains an entry for this variant (Variation ID: 56514). This premature translational stop signal has been observed in individual(s) with congenital nephrotic syndrome of the Finnish type (PMID: 9915943). This variant is not present in population databases (gnomAD no frequency). This sequence change creates a premature translational stop signal (p.Thr179Glnfs*9) in the NPHS1 gene. It is expected to result in an absent or disrupted protein product. Loss-of-function variants in NPHS1 are known to be pathogenic (PMID: 11317351, 11854170, 12039988).

Counsyl
Classification: Likely pathogenic for Finnish congenital nephrotic syndrome. Last evaluated: 2018-02-21. Review status: no assertion criteria provided. Collection method: clinical testing. Allele origin: unknown. Not counted in ClinVar's aggregate classification.

Juha Muilu Group; Institute for Molecular Medicine Finland (FIMM)
Classification: Likely pathogenic for Finnish congenital nephrotic syndrome. Review status: no assertion criteria provided. Collection method: not provided. Allele origin: unknown. Not counted in ClinVar's aggregate classification.
Comment: FinDis database variant: FinDis database variant: This variant was not found or characterized by our laboratory, data were collected from public sources: see reference
ClinVar note: Converted during submission from probable-pathogenic to Likely pathogenic.

Literature cited by the submitters: PubMed 9915943 (cited by Labcorp Genetics (formerly Invitae), Labcorp and Counsyl); PubMed 11317351 (cited by Labcorp Genetics (formerly Invitae), Labcorp); PubMed 11854170 (cited by Labcorp Genetics (formerly Invitae), Labcorp); PubMed 12039988 (cited by Labcorp Genetics (formerly Invitae), Labcorp).

NM_004646.4(NPHS1):c.534del (p.Thr179fs)

Gene: NPHS1 (NPHS1 adhesion molecule, nephrin; minus strand). Cytogenetic location: 19q13.12.
Variant type: Deletion.
Coding change: c.534del on transcript NM_004646.4 (MANE Select); coding-DNA position 534, one base deleted (G; older notation c.534delG).
Protein change: p.Thr179fs; shifts the reading frame from threonine 179.
Molecular consequence: frameshift variant.
Genome position (GRCh38, 1-based): chr19:35,850,438, C deleted on the plus strand (G on the coding strand, the reverse complement: NPHS1 is on the minus strand). VCF-style (leftmost placement, unchanged base first): chr19-35850437-TC-T. GRCh37 (hg19) VCF-style: chr19-36341339-TC-T.
Other names: c.534delG (NM_004646.3); short protein forms T179fs.
Identifiers: ClinVar variation 56514 (VCV000056514.11), dbSNP rs386833952, ClinGen allele CA250257.